The following is an entry in ClinVar:

ClinVar aggregate classification (germline): Uncertain significance (1 of 4 stars; one submission).

Submission:

GeneDx
Classification: Uncertain significance. Last evaluated: 2025-06-17. Review status: criteria provided, single submitter. Criteria: GeneDx Variant Classification Process June 2021. Collection method: clinical testing. Allele origin: germline.
Comment: Not observed at significant frequency in large population cohorts (gnomAD); In silico analysis supports that this missense variant has a deleterious effect on protein structure/function; Has not been previously published as pathogenic or benign to our knowledge

NM_001127222.2(CACNA1A):c.5753T>C (p.Met1918Thr)

Gene: CACNA1A (calcium voltage-gated channel subunit alpha1 A; minus strand). Cytogenetic location: 19p13.13.
Variant type: single nucleotide variant.
Coding change: c.5753T>C on transcript NM_001127222.2 (MANE Select); coding-DNA position 5753, T replaced by C.
Protein change: p.Met1918Thr; replaces methionine 1918 with threonine.
Molecular consequence: missense variant.
Genome position (GRCh38, 1-based): chr19:13,214,587, A>G on the plus strand (T>C on the coding strand, the complement: CACNA1A is on the minus strand). VCF-style: chr19-13214587-A-G. GRCh37 (hg19) VCF-style: chr19-13325401-A-G.
Other names: c.5771T>C, p.Met1924Thr (NM_000068.4, NM_023035.3); c.5756T>C, p.Met1919Thr (NM_001127221.2); c.5762T>C, p.Met1921Thr (NM_001174080.2); short protein forms M1918T, M1919T, M1921T, M1924T.
Identifiers: ClinVar variation 3367918 (VCV003367918.2).